The following is an entry in ClinVar:

ClinVar aggregate classification (germline): Uncertain significance. Review status: criteria provided, multiple submitters, no conflicts (2 of 4 stars). 3 submissions from 3 submitters: Uncertain significance (3). Last evaluated 2025-04-25.

Conditions:
Inborn genetic diseases. Identifiers: MedGen C0950123, MeSH D030342.

Allele frequency attached by ClinVar (database versions not stated): gnomAD exomes 0.00001 and 0.00002; ExAC 0.00002; gnomAD 0.00002; 1000 Genomes Project 30x 0.00016; 1000 Genomes Project 0.00020.

Submissions (3):

Ambry Genetics
Classification: Uncertain significance for Inborn genetic diseases. Last evaluated: 2025-04-25. Review status: criteria provided, single submitter. Criteria: Ambry Variant Classification Scheme 2023. Collection method: clinical testing. Allele origin: germline.

Blueprint Genetics
Classification: Uncertain significance. Last evaluated: 2023-05-18. Review status: criteria provided, single submitter. Criteria: ACMG Guidelines, 2015. Collection method: clinical testing. Allele origin: germline.

Labcorp Genetics (formerly Invitae), Labcorp
Classification: Uncertain significance. Last evaluated: 2022-09-16. Review status: criteria provided, single submitter. Criteria: Invitae Variant Classification Sherloc (09022015). Collection method: clinical testing. Allele origin: germline.
Comment: In summary, the available evidence is currently insufficient to determine the role of this variant in disease. Therefore, it has been classified as a Variant of Uncertain Significance. Algorithms developed to predict the effect of missense changes on protein structure and function (SIFT, PolyPhen-2, Align-GVGD) all suggest that this variant is likely to be tolerated. ClinVar contains an entry for this variant (Variation ID: 1388600). This variant has not been reported in the literature in individuals affected with ZNF408-related conditions. This variant is present in population databases (rs539546295, gnomAD 0.01%). This sequence change replaces methionine, which is neutral and non-polar, with arginine, which is basic and polar, at codon 718 of the ZNF408 protein (p.Met718Arg).

NM_024741.3(ZNF408):c.2153T>G (p.Met718Arg)

Gene: ZNF408 (zinc finger protein 408; plus strand). Cytogenetic location: 11p11.2.
Variant type: single nucleotide variant.
Coding change: c.2153T>G on transcript NM_024741.3 (MANE Select); coding-DNA position 2153, T replaced by G.
Protein change: p.Met718Arg; replaces methionine 718 with arginine.
Molecular consequence: missense variant.
Genome position (GRCh38, 1-based): chr11:46,705,853, T>G. VCF-style: chr11-46705853-T-G. GRCh37 (hg19) VCF-style: chr11-46727403-T-G.
Other names: c.2129T>G, p.Met710Arg (NM_001184751.2); c.2153T>G (NM_024741.2); short protein forms M710R, M718R.
Identifiers: ClinVar variation 1388600 (VCV001388600.10), dbSNP rs539546295, ClinGen allele CA5966730.